The following is an entry in ClinVar:

ClinVar aggregate classification (germline): Uncertain significance (1 of 4 stars; one submission).

Submission:

GeneDx
Classification: Uncertain significance. Last evaluated: 2020-02-26. Review status: criteria provided, single submitter. Criteria: GeneDx Variant Classification Process June 2021. Collection method: clinical testing. Allele origin: germline. Affected: yes.
Comment: In silico analysis supports that this missense variant has a deleterious effect on protein structure/function; Has not been previously published as pathogenic or benign to our knowledge

NM_000548.5(TSC2):c.3389C>T (p.Ser1130Phe)

Gene: TSC2 (TSC complex subunit 2; plus strand). Cytogenetic location: 16p13.3.
Variant type: single nucleotide variant.
Coding change: c.3389C>T on transcript NM_000548.5 (MANE Select); coding-DNA position 3389, C replaced by T.
Protein change: p.Ser1130Phe; replaces serine 1130 with phenylalanine.
Molecular consequence: missense variant.
Genome position (GRCh38, 1-based): chr16:2,079,661, C>T. VCF-style: chr16-2079661-C-T. GRCh37 (hg19) VCF-style: chr16-2129662-C-T.
Other names: c.3257C>T, p.Ser1086Phe (NM_001077183.3, NM_001370404.1); c.3389C>T, p.Ser1130Phe (NM_001114382.3); c.3149C>T, p.Ser1050Phe (NM_001318827.2); c.3113C>T, p.Ser1038Phe (NM_001318829.2); c.2657C>T, p.Ser886Phe (NM_001318831.2); c.3290C>T, p.Ser1097Phe (NM_001318832.2); c.3260C>T, p.Ser1087Phe (NM_001363528.2, NM_001370405.1, NM_021055.3); short protein forms S1038F, S1050F, S1086F, S1087F, S1097F, S1130F, S886F.
Identifiers: ClinVar variation 1312547 (VCV001312547.2), dbSNP rs1163066622, ClinGen allele CA394286785.
Genomic context (GRCh38, chr16:2,079,661, plus strand): 5'-CCAAGCTGGAGTCCCAGGCTGGGCAGCAGGTGTCCCGTGGGGCCCGGGATCGGGTCCGTT[C>T]CATGTCGGGTGAGCCTTGGCCCCAGCCACCTCCACACAGGCACCGGGGCTCCCTCAGTTG-3'
Protein context (NP_000539.2, residues 1120-1140): VSRGARDRVR[Ser1130Phe]MSGGHGLRVG